The following is an entry in ClinVar:

NM_006231.4(POLE):c.974del (p.Lys325fs)

Gene: POLE (DNA polymerase epsilon, catalytic subunit; minus strand). Cytogenetic location: 12q24.33.
Variant type: Deletion.
Coding change: c.974del on transcript NM_006231.4 (MANE Select); coding-DNA position 974, one base deleted (A; older notation c.974delA).
Protein change: p.Lys325fs; shifts the reading frame from lysine 325.
Molecular consequence: frameshift variant.
Genome position (GRCh38, 1-based): chr12:132,676,140, T deleted on the plus strand (A on the coding strand, the reverse complement: POLE is on the minus strand); the first of 2 consecutive T bases (chr12:132,676,140-132,676,141); deleting either gives the same sequence. VCF-style (leftmost placement, unchanged base first): chr12-132676139-CT-C. GRCh37 (hg19) VCF-style: chr12-133252725-CT-C.
Other names: short protein forms K325fs.
Identifiers: ClinVar variation 1055819 (VCV001055819.9), dbSNP rs2136013780, ClinGen allele CA2499221552.

ClinVar aggregate classification (germline): Pathogenic (1 of 4 stars; one submission).

Submission:

Labcorp Genetics (formerly Invitae), Labcorp
Classification: Pathogenic. Last evaluated: 2022-05-12. Review status: criteria provided, single submitter. Criteria: Invitae Variant Classification Sherloc (09022015). Collection method: clinical testing. Allele origin: germline.
Comment: For these reasons, this variant has been classified as Pathogenic. This sequence change creates a premature translational stop signal (p.Lys325Serfs*19) in the POLE gene. It is expected to result in an absent or disrupted protein product. Loss-of-function variants in POLE are known to be pathogenic (PMID: 23230001, 25948378, 30503519). This variant is not present in population databases (gnomAD no frequency). This variant has not been reported in the literature in individuals affected with POLE-related conditions. ClinVar contains an entry for this variant (Variation ID: 1055819).

Literature cited by the submitters: PubMed 23230001; PubMed 25948378; PubMed 30503519.